The following is an entry in ClinVar:

NM_006531.5(IFT88):c.1597C>T (p.Arg533Trp)

Gene: IFT88 (intraflagellar transport 88; plus strand). Cytogenetic location: 13q12.11.
Variant type: single nucleotide variant.
Coding change: c.1597C>T on transcript NM_006531.5 (MANE Select); coding-DNA position 1597, C replaced by T.
Protein change: p.Arg533Trp; replaces arginine 533 with tryptophan.
Molecular consequence: missense variant. On other transcripts: non-coding transcript variant (4).
Genome position (GRCh38, 1-based): chr13:20,641,313, C>T. VCF-style: chr13-20641313-C-T. GRCh37 (hg19) VCF-style: chr13-21215452-C-T.
Other names: c.1495C>T, p.Arg499Trp (NM_001353571.2, NM_001353578.2); c.1597C>T, p.Arg533Trp (NM_001353572.2, NM_001353568.2); c.1453C>T, p.Arg485Trp (NM_001353573.2); c.1438C>T, p.Arg480Trp (NM_001353574.2); c.1540C>T, p.Arg514Trp (NM_001353575.2, NM_001318491.2); c.1522C>T, p.Arg508Trp (NM_001353576.2, NM_001353577.2, NM_001353569.2 and 1 more transcripts); c.964C>T, p.Arg322Trp (NM_001353579.2); c.1624C>T, p.Arg542Trp (NM_175605.5, NM_001318493.2, NM_001353565.2 and 2 more transcripts); and 1 more; short protein forms R322W, R480W, R508W, R542W, R485W, R533W, R499W, R514W.
Identifiers: ClinVar variation 2960667 (VCV002960667.4), dbSNP rs147278996, ClinGen allele CA6905471.

ClinVar aggregate classification (germline): Uncertain significance. Review status: criteria provided, multiple submitters, no conflicts (2 of 4 stars). 2 submissions from 2 submitters: Uncertain significance (2). Last evaluated 2025-05-21.

Allele frequency attached by ClinVar (database versions not stated): gnomAD exomes 0.00001; ExAC 0.00003; ESP Exome Variant Server 0.00015; 1000 Genomes Project 30x 0.00016; 1000 Genomes Project 0.00020.
gnomAD v4.1: 17 of 1,608,464 alleles (0.0011%); highest among the groups gnomAD compares: East Asian, 0.02%; no homozygotes.

Submissions (2):

Ambry Genetics
Classification: Uncertain significance. Last evaluated: 2025-05-21. Review status: criteria provided, single submitter. Criteria: Ambry Variant Classification Scheme 2023. Collection method: clinical testing. Allele origin: germline.

Labcorp Genetics (formerly Invitae), Labcorp
Classification: Uncertain significance. Last evaluated: 2023-09-22. Review status: criteria provided, single submitter. Criteria: Invitae Variant Classification Sherloc (09022015). Collection method: clinical testing. Allele origin: germline.
Comment: This variant is present in population databases (rs147278996, gnomAD 0.02%). In summary, the available evidence is currently insufficient to determine the role of this variant in disease. Therefore, it has been classified as a Variant of Uncertain Significance. An algorithm developed to predict the effect of missense changes on protein structure and function (PolyPhen-2) suggests that this variant is likely to be disruptive. This variant has not been reported in the literature in individuals affected with IFT88-related conditions. This sequence change replaces arginine, which is basic and polar, with tryptophan, which is neutral and slightly polar, at codon 542 of the IFT88 protein (p.Arg542Trp).